The following is an entry in ClinVar:

NM_001142864.4(PIEZO1):c.1534C>T (p.Pro512Ser)

Genes: HSALR1 (HSP90AB1 associated lncRNA 1; plus strand), PIEZO1 (piezo type mechanosensitive ion channel component 1 (Er blood group); minus strand). Cytogenetic location: 16q24.3.
Variant type: single nucleotide variant.
Coding change: c.1534C>T on transcript NM_001142864.4 (MANE Select); coding-DNA position 1534, C replaced by T.
Protein change: p.Pro512Ser; replaces proline 512 with serine.
Molecular consequence: missense variant.
Genome position (GRCh38, 1-based): chr16:88,736,171, G>A on the plus strand (C>T on the coding strand, the complement: PIEZO1 is on the minus strand). VCF-style: chr16-88736171-G-A. GRCh37 (hg19) VCF-style: chr16-88802579-G-A.
Other names: p.Pro512Ser; c.1534C>T (NM_001142864.3); c.79C>T, p.Pro27Ser (NM_014745.1); short protein forms P27S, P512S.
Identifiers: ClinVar variation 2683402 (VCV002683402.8), dbSNP rs763516197, ClinGen allele CA286432435.

ClinVar aggregate classification (germline): Conflicting classifications of pathogenicity. Review status: criteria provided, conflicting classifications (1 of 4 stars). 5 submissions from 5 submitters: Uncertain significance (4); Benign (1). Last evaluated 2026-05-23.

Conditions:
PIEZO1-related disorder. Also called: PIEZO1-related condition; PIEZO1-Related Disorders.
Inborn genetic diseases. Identifiers: MedGen C0950123, MeSH D030342.

gnomAD v4.1: 90 of 1,548,294 alleles (0.0058%); highest among the groups gnomAD compares: African/African-American, 0.11%; no homozygotes.

Submissions (5):

Ambry Genetics
Classification: Uncertain significance for Inborn genetic diseases. Last evaluated: 2026-05-23. Review status: criteria provided, single submitter. Criteria: Ambry Variant Classification Scheme 2023. Collection method: clinical testing. Allele origin: germline.

PreventionGenetics, part of Exact Sciences
Classification: Uncertain significance for PIEZO1-related condition. Last evaluated: 2025-06-30. Review status: criteria provided, single submitter. Criteria: ACMG Guidelines, 2015. Collection method: clinical testing. Allele origin: germline.
Comment: The PIEZO1 c.1534C>T variant is predicted to result in the amino acid substitution p.Pro512Ser. To our knowledge, this variant has not been reported in the literature. This variant is reported in 0.12% of alleles in individuals of African descent in gnomAD. Although we suspect that this variant may be benign, at this time, the clinical significance of this variant is uncertain due to the absence of conclusive functional and genetic evidence.

Labcorp Genetics (formerly Invitae), Labcorp
Classification: Benign. Last evaluated: 2025-01-09. Review status: criteria provided, single submitter. Criteria: Invitae Variant Classification Sherloc (09022015). Collection method: clinical testing. Allele origin: germline.

Revvity Omics, Revvity
Classification: Uncertain significance. Last evaluated: 2024-07-24. Review status: criteria provided, single submitter. Criteria: ACMG Guidelines, 2015. Collection method: clinical testing. Allele origin: germline.

Mayo Clinic Laboratories, Mayo Clinic
Classification: Uncertain significance. Last evaluated: 2022-02-25. Review status: criteria provided, single submitter. Criteria: ACMG Guidelines, 2015. Collection method: clinical testing. Allele origin: germline. Observed: 1 variant allele.